The following is an entry in ClinVar:

NM_015450.3(POT1):c.817C>T (p.Arg273Trp)

Gene: POT1 (protection of telomeres 1; minus strand). Cytogenetic location: 7q31.33.
Variant type: single nucleotide variant.
Coding change: c.817C>T on transcript NM_015450.3 (MANE Select); coding-DNA position 817, C replaced by T.
Protein change: p.Arg273Trp; replaces arginine 273 with tryptophan.
Molecular consequence: missense variant. On other transcripts: non-coding transcript variant (3).
Genome position (GRCh38, 1-based): chr7:124,853,024, G>A on the plus strand (C>T on the coding strand, the complement: POT1 is on the minus strand). VCF-style: chr7-124853024-G-A. GRCh37 (hg19) VCF-style: chr7-124493078-G-A.
Other names: p.Arg273Trp; c.424C>T, p.Arg142Trp (NM_001042594.2); short protein forms R273W, R142W.
Identifiers: ClinVar variation 541880 (VCV000541880.13), dbSNP rs1554423983, ClinGen allele CA369055344.
Genomic context (GRCh38, chr7:124,853,024, plus strand): 5'-AAGCTTACTTTTTCAGTTGATCCACATCAGAGTTACTTTCTGGCAAGACCCTGATTCCCC[G>A]ACCGTAACTGGTACCTCCATGAAGATGAAACTCTAAACTTAACATTGTCTGATTCTCTGA-3'
Protein context (NP_056265.2, residues 263-283): FHLHGGTSYG[Arg273Trp]GIRVLPESNS

ClinVar aggregate classification (germline): Uncertain significance. Review status: criteria provided, multiple submitters, no conflicts (2 of 4 stars). 4 submissions from 4 submitters: Uncertain significance (4). Last evaluated 2025-08-18.

Conditions:
POT1-related disorder. Also called: POT1-related condition.
Tumor predisposition syndrome 3 (TPDS3). Also called: Glioma susceptibility 9; LONG TELOMERE SYNDROME, POT1-RELATED; POT1 Tumor Predisposition; Melanoma, cutaneous malignant, susceptibility to, 10. Identifiers: Orphanet 618, MedGen C4014476, MONDO:0014368, OMIM 615848.
Hereditary cancer-predisposing syndrome. Also called: Tumor predisposition; Hereditary neoplastic syndrome; Neoplastic Syndromes, Hereditary; Hereditary Cancer Syndrome. Identifiers: Orphanet 140162, MedGen C0027672, MeSH D009386, MONDO:0015356.

Allele frequency attached by ClinVar (database versions not stated): gnomAD exomes below 0.00001.
gnomAD v4.1: 2 of 1,613,176 alleles (0.00012%); highest among the groups gnomAD compares: South Asian, 0.0011%; no homozygotes.

Submissions (4):

Labcorp Genetics (formerly Invitae), Labcorp
Classification: Uncertain significance for Tumor predisposition syndrome 3. Last evaluated: 2025-08-18. Review status: criteria provided, single submitter. Criteria: Invitae Variant Classification Sherloc (09022015). Collection method: clinical testing. Allele origin: germline.
Comment: This sequence change replaces arginine, which is basic and polar, with tryptophan, which is neutral and slightly polar, at codon 273 of the POT1 protein (p.Arg273Trp). This variant is not present in population databases (gnomAD no frequency). This variant has not been reported in the literature in individuals affected with POT1-related conditions. ClinVar contains an entry for this variant (Variation ID: 541880). Invitae Evidence Modeling of protein sequence and biophysical properties (such as structural, functional, and spatial information, amino acid conservation, physicochemical variation, residue mobility, and thermodynamic stability) indicates that this missense variant is not expected to disrupt POT1 protein function with a negative predictive value of 80%. Algorithms developed to predict the effect of sequence changes on RNA splicing suggest that this variant may disrupt the consensus splice site. In summary, the available evidence is currently insufficient to determine the role of this variant in disease. Therefore, it has been classified as a Variant of Uncertain Significance.

Mayo Clinic Laboratories, Mayo Clinic
Classification: Uncertain significance. Last evaluated: 2025-03-11. Review status: criteria provided, single submitter. Criteria: ACMG Guidelines, 2015. Collection method: clinical testing. Allele origin: germline. Observed: 1 variant allele.
Comment: PP3, PM2_supporting, PM5

PreventionGenetics, part of Exact Sciences
Classification: Uncertain significance for POT1-related condition. Last evaluated: 2024-11-15. Review status: criteria provided, single submitter. Criteria: ACMG Guidelines, 2015. Collection method: clinical testing. Allele origin: germline.
Comment: The POT1 c.817C>T variant is predicted to result in the amino acid substitution p.Arg273Trp. To our knowledge, this variant has not been reported in the literature or in a large population database (gnomAD), indicating this variant is rare. This variant is interpreted as uncertain in ClinVar. Another alteration at this same amino acid position, p.Arg273Leu was identified in an individual with early onset melanoma and was shown to disrupt protein function in vitro (Robles-Espinoza et al. 2014. PubMed ID: 24686849). At this time, the clinical significance of this variant is uncertain due to the absence of conclusive functional and genetic evidence.

Ambry Genetics
Classification: Uncertain significance for Hereditary cancer-predisposing syndrome. Last evaluated: 2023-11-29. Review status: criteria provided, single submitter. Criteria: Ambry Variant Classification Scheme 2023. Collection method: clinical testing. Allele origin: germline.
Comment: The p.R273W variant (also known as c.817C>T), located in coding exon 6 of the POT1 gene, results from a C to T substitution at nucleotide position 817. The arginine at codon 273 is replaced by tryptophan, an amino acid with dissimilar properties. This amino acid position is well conserved in available vertebrate species. In addition, this alteration is predicted to be deleterious by in silico analysis. Since supporting evidence is limited at this time, the clinical significance of this alteration remains unclear.